The following is an entry in ClinVar:

NM_001278512.2(AP3B2):c.2972T>C (p.Met991Thr)

Genes: AP3B2 (adaptor related protein complex 3 subunit beta 2; minus strand), CPEB1-AS1 (CPEB1 antisense RNA 1; plus strand). Cytogenetic location: 15q25.2.
Variant type: single nucleotide variant.
Coding change: c.2972T>C on transcript NM_001278512.2 (MANE Select); coding-DNA position 2972, T replaced by C.
Protein change: p.Met991Thr; replaces methionine 991 with threonine.
Molecular consequence: missense variant.
Genome position (GRCh38, 1-based): chr15:82,661,869, A>G on the plus strand (T>C on the coding strand, the complement: AP3B2 is on the minus strand). VCF-style: chr15-82661869-A-G. GRCh37 (hg19) VCF-style: chr15-83330621-A-G.
Other names: c.2819T>C, p.Met940Thr (NM_001278511.2); c.104T>C, p.Met35Thr (NM_001348441.2); c.2915T>C, p.Met972Thr (NM_004644.5); short protein forms M35T, M940T, M972T, M991T.
Identifiers: ClinVar variation 1440231 (VCV001440231.8), dbSNP rs371693920, ClinGen allele CA7699737.

ClinVar aggregate classification (germline): Uncertain significance (1 of 4 stars; one submission).

Allele frequency attached by ClinVar (database versions not stated): gnomAD exomes below 0.00001 and 0.00001; ExAC 0.00001; gnomAD 0.00001; TOPMed 0.00003; ESP Exome Variant Server 0.00008.
gnomAD v4.1: 3 of 1,613,748 alleles (0.00019%); highest among the groups gnomAD compares: African/African-American, 0.0027%; no homozygotes.

Submission:

Labcorp Genetics (formerly Invitae), Labcorp
Classification: Uncertain significance. Last evaluated: 2022-07-19. Review status: criteria provided, single submitter. Criteria: Invitae Variant Classification Sherloc (09022015). Collection method: clinical testing. Allele origin: germline.
Comment: This sequence change replaces methionine, which is neutral and non-polar, with threonine, which is neutral and polar, at codon 972 of the AP3B2 protein (p.Met972Thr). This variant is present in population databases (rs371693920, gnomAD 0.01%). This variant has not been reported in the literature in individuals affected with AP3B2-related conditions. ClinVar contains an entry for this variant (Variation ID: 1440231). In summary, the available evidence is currently insufficient to determine the role of this variant in disease. Therefore, it has been classified as a Variant of Uncertain Significance. Algorithms developed to predict the effect of missense changes on protein structure and function (SIFT, PolyPhen-2, Align-GVGD) all suggest that this variant is likely to be tolerated.